The following is an entry in ClinVar:

ClinVar aggregate classification (germline): Pathogenic. Review status: criteria provided, multiple submitters, no conflicts (2 of 4 stars). 2 submissions from 2 submitters: Pathogenic (2). Last evaluated 2026-05-07.

Conditions:
Retinitis pigmentosa 39 (RP39). Identifiers: Orphanet 791, MedGen C3151138, MONDO:0013436, OMIM 613809.
USH2A-related disorder. Also called: USH2A-related disorders; USH2A-related condition. Identifiers: MedGen CN239332.

Allele frequency attached by ClinVar (database versions not stated): ExAC 0.00001.
gnomAD v4.1: 2 of 1,613,958 alleles (0.00012%); highest among the groups gnomAD compares: Non-Finnish European, 0.00017%; no homozygotes.

Submissions (2):

Myriad Genetics, Inc.
Classification: Pathogenic for USH2A-related disorder. Last evaluated: 2026-05-07. Review status: criteria provided, single submitter. Criteria: Myriad Autosomal Dominant, Autosomal Recessive and X-Linked Classification Criteria (2023). Collection method: clinical testing. Allele origin: unknown.
Comment: NM_206933.2(USH2A):c.3932C>A(S1311*) is a nonsense variant classified as pathogenic in the context of USH2A-related disorders. S1311* has been observed in cases with relevant disease (PMID: 33576794, 34948090, 30358468, 18273898). Relevant functional assessments of this variant are not available in the literature. S1311* has been observed in referenced population frequency databases. In summary, NM_206933.2(USH2A):c.3932C>A(S1311*) is a nonsense variant in a gene where loss of function is a known mechanism of disease, is predicted to disrupt protein function, and has been observed more frequently in cases with the relevant disease than in healthy populations. Please note: this variant was assessed in the context of healthy population screening.

Baylor Genetics
Classification: Pathogenic for Retinitis pigmentosa 39. Last evaluated: 2023-07-07. Review status: criteria provided, single submitter. Criteria: ACMG Guidelines, 2015. Collection method: clinical testing. Allele origin: unknown.

Literature cited by the submitters: PubMed 18273898 (cited by Myriad Genetics, Inc.); PubMed 30358468 (cited by Myriad Genetics, Inc.); PubMed 33576794 (cited by Myriad Genetics, Inc.); PubMed 34948090 (cited by Myriad Genetics, Inc.).

NM_206933.4(USH2A):c.3932C>A (p.Ser1311Ter)

Genes: USH2A (usherin; minus strand), USH2A-AS1 (USH2A antisense RNA 1; plus strand). Cytogenetic location: 1q41.
Variant type: single nucleotide variant.
Coding change: c.3932C>A on transcript NM_206933.4 (MANE Select); coding-DNA position 3932, C replaced by A.
Protein change: p.Ser1311Ter; replaces serine 1311 with a stop codon.
Molecular consequence: nonsense.
Genome position (GRCh38, 1-based): chr1:216,198,464, G>T on the plus strand (C>A on the coding strand, the complement: USH2A is on the minus strand). VCF-style: chr1-216198464-G-T. GRCh37 (hg19) VCF-style: chr1-216371806-G-T.
Other names: c.3932C>A, p.Ser1311Ter (NM_007123.6); short protein forms S1311*.
Identifiers: ClinVar variation 2679485 (VCV002679485.2), dbSNP rs79279902, ClinGen allele CA1395870.